The following is an entry in ClinVar:

NM_003745.2(SOCS1):c.454G>T (p.Glu152Ter)

Gene: SOCS1 (suppressor of cytokine signaling 1; minus strand). Cytogenetic location: 16p13.13.
Variant type: single nucleotide variant.
Coding change: c.454G>T on transcript NM_003745.2 (MANE Select); coding-DNA position 454, G replaced by T.
Protein change: p.Glu152Ter; replaces glutamic acid 152 with a stop codon.
Molecular consequence: nonsense.
Genome position (GRCh38, 1-based): chr16:11,255,025, C>A on the plus strand (G>T on the coding strand, the complement: SOCS1 is on the minus strand). VCF-style: chr16-11255025-C-A. GRCh37 (hg19) VCF-style: chr16-11348882-C-A.
Other names: short protein forms E152*.
Identifiers: ClinVar variation 3068305 (VCV003068305.8), dbSNP rs2069579242, ClinGen allele CA394740010.

ClinVar aggregate classification (germline): Likely pathogenic. Review status: criteria provided, multiple submitters, no conflicts (2 of 4 stars). 2 submissions from 2 submitters: Likely pathogenic (2). Last evaluated 2026-09-01.

Conditions:
Autoinflammatory syndrome with immunodeficiency. Also called: AUTOINFLAMMATORY SYNDROME, FAMILIAL, WITH OR WITHOUT IMMUNODEFICIENCY. Identifiers: MedGen C5543547, MONDO:0800130, OMIM 619375.

Submissions (2):

CeGaT Center for Human Genetics Tuebingen
Classification: Likely pathogenic. Last evaluated: 2026-09-01. Review status: criteria provided, single submitter. Criteria: CeGaT Center For Human Genetics Tuebingen Variant Classification Criteria Version 2. Collection method: clinical testing. Allele origin: germline. Affected: yes. Observed: 3 variant alleles.
Comment: SOCS1: PVS1:Strong, PM2

Genomic Medicine Center of Excellence, King Faisal Specialist Hospital and Research Centre
Classification: Likely pathogenic for Autoinflammatory syndrome with immunodeficiency. Last evaluated: 2024-04-04. Review status: criteria provided, single submitter. Criteria: ACMG Guidelines, 2015. Collection method: clinical testing. Allele origin: germline.